The following is an entry in ClinVar:

NM_016729.3(FOLR1):c.357+8T>A

Genes: FOLR1-AS1 (FOLR1 antisense RNA 1; minus strand), FOLR1 (folate receptor alpha; plus strand). Cytogenetic location: 11q13.4.
Variant type: single nucleotide variant.
Coding change: c.357+8T>A on transcript NM_016729.3 (MANE Select); 8 bases into the intron after coding-DNA position 357, T replaced by A.
Molecular consequence: intron variant.
Genome position (GRCh38, 1-based): chr11:72,195,467, T>A. VCF-style: chr11-72195467-T-A. GRCh37 (hg19) VCF-style: chr11-71906511-T-A.
Other names: c.357+8T>A (NM_016724.3, NM_016725.3, NM_000802.3).
Identifiers: ClinVar variation 284695 (VCV000284695.15), dbSNP rs886042924, ClinGen allele CA10604875.
Genomic context (GRCh38, chr11:72,195,467, plus strand): 5'-AGGACACCTGCCTCTACGAGTGCTCCCCCAACTTGGGGCCCTGGATCCAGCAGGTATGCA[T>A]GGCTTCCTGCAGGTACAAGACCTAGCGGAGCAGCTGAGCTTTCCAGGCATCTCTGCAGGC-3'

ClinVar aggregate classification (germline): Conflicting classifications of pathogenicity. Review status: criteria provided, conflicting classifications (1 of 4 stars). 3 submissions from 3 submitters: Uncertain significance (1); Likely benign (2). Last evaluated 2025-12-03.

Conditions:
Cerebral folate transport deficiency. Also called: FOLATE RECEPTOR DEFICIENCY; Cerebral folate deficiency syndrome; Neurodegenerative syndrome due to cerebral folate transport deficiency; FOLR1-Related Cerebral Folate Transport Deficiency; NEURODEGENERATION DUE TO CEREBRAL FOLATE TRANSPORT DEFICIENCY. Identifiers: Orphanet 217382, MedGen C2751584, MONDO:0013110, OMIM 613068. Disease mechanism: loss of function.

Allele frequency attached by ClinVar (database versions not stated): gnomAD 0.00014 and 0.00016; TOPMed 0.00014.
gnomAD v4.1: 28 of 1,614,050 alleles (0.0017%); highest among the groups gnomAD compares: African/African-American, 0.036%; no homozygotes.

Submissions (3):

Labcorp Genetics (formerly Invitae), Labcorp
Classification: Likely benign for Cerebral folate transport deficiency. Last evaluated: 2025-12-03. Review status: criteria provided, single submitter. Criteria: Invitae Variant Classification Sherloc (09022015). Collection method: clinical testing. Allele origin: germline.

GeneDx
Classification: Likely benign. Last evaluated: 2016-12-07. Review status: criteria provided, single submitter. Criteria: GeneDx Variant Classification (06012015). Collection method: clinical testing. Allele origin: germline. Affected: yes.
Comment: This variant is considered likely benign or benign based on one or more of the following criteria: it is a conservative change, it occurs at a poorly conserved position in the protein, it is predicted to be benign by multiple in silico algorithms, and/or has population frequency not consistent with disease.

Eurofins Ntd Llc (ga)
Classification: Uncertain significance. Last evaluated: 2015-11-20. Review status: criteria provided, single submitter. Criteria: EGL Classification Definitions 2015. Collection method: clinical testing. Allele origin: germline. Observed: 2 variant alleles, 2 heterozygotes.